The following is an entry in ClinVar:

NM_007294.4(BRCA1):c.5468-7T>G

Gene: BRCA1 (BRCA1 DNA repair associated; minus strand). Cytogenetic location: 17q21.31.
Variant type: single nucleotide variant.
Coding change: c.5468-7T>G on transcript NM_007294.4 (MANE Select); 7 bases into the intron before coding-DNA position 5468, T replaced by G.
Molecular consequence: intron variant.
Genome position (GRCh38, 1-based): chr17:43,045,809, A>C on the plus strand (T>G on the coding strand, the complement: BRCA1 is on the minus strand). VCF-style: chr17-43045809-A-C. GRCh37 (hg19) VCF-style: chr17-41197826-A-C.
Other names: c.5253-7T>G (NM_001407942.1); c.5327-7T>G (NM_001407694.1, NM_001407696.1, NM_001407725.1 and 12 more transcripts); c.2015-7T>G (NM_001408465.1, NM_001408463.1, NM_001408462.1 and 7 more transcripts); c.1946-7T>G (NM_001408482.1, NM_001408484.1, NM_001408485.1 and 5 more transcripts); c.5204-7T>G (NM_001407920.1, NM_001407923.1, NM_001407922.1 and 4 more transcripts); c.5324-7T>G (NM_001407751.1, NM_001407740.1, NM_001407739.1 and 18 more transcripts); c.5132-7T>G (NM_001407954.1, NM_001407952.1, NM_001407950.1 and 3 more transcripts); c.1892-7T>G (NM_001408504.1, NM_001408503.1, NM_001408502.1); and 83 more.
Identifiers: ClinVar variation 867567 (VCV000867567.3), dbSNP rs2050891331, ClinGen allele CA916080713.
Genomic context (GRCh38, chr17:43,045,809, plus strand): 5'-TGTCCAACACCCACTCTCGGGTCACCACAGGTGCCTCACACATCTGCCCAATTGCTGGAG[A>C]CAGAGAACACAAGCAGAGATTAGTGTCAATTCATTCTCCTGGACTAGGCTCTAATCAATC-3'

Conditions:
Breast-ovarian cancer, familial, susceptibility to, 1 (BROVCA1). Also called: BRCA1 Hereditary Breast and Ovarian Cancer; OVARIAN CANCER, SUSCEPTIBILITY TO. Identifiers: Orphanet 145, MedGen C2676676, MONDO:0011450, OMIM 604370. Disease mechanism: loss of function.

Submission:

Brotman Baty Institute, University of Washington
No classification provided (evidence only). Condition: Breast-ovarian cancer, familial 1. Review status: no classification provided. Collection method: in vitro. Allele origin: not applicable. Functional consequence: functionally_abnormal.
ClinVar note: "not provided" was previously submitted as the classification for the variant. However, the classification appeared to be based only on an observation of functional data so it was converted to no classification on 2025-07-30.